The following is an entry in ClinVar:

NM_000179.3(MSH6):c.2031T>G (p.Ser677Arg)

Gene: MSH6 (mutS homolog 6; plus strand). Cytogenetic location: 2p16.3.
Variant type: single nucleotide variant.
Coding change: c.2031T>G on transcript NM_000179.3 (MANE Select); coding-DNA position 2031, T replaced by G.
Protein change: p.Ser677Arg; replaces serine 677 with arginine.
Molecular consequence: missense variant. On other transcripts: non-coding transcript variant (5), intron variant (2).
Genome position (GRCh38, 1-based): chr2:47,800,014, T>G. VCF-style: chr2-47800014-T-G. GRCh37 (hg19) VCF-style: chr2-48027153-T-G.
Other names: c.1641T>G, p.Ser547Arg (NM_001281492.2); c.1125T>G, p.Ser375Arg (NM_001281493.2, NM_001281494.2, NM_001406823.1 and 6 more transcripts); c.2127T>G, p.Ser709Arg (NM_001406795.1, NM_001406802.1); c.2031T>G, p.Ser677Arg (NM_001406796.1, NM_001406798.1, NM_001406800.1 and 3 more transcripts); c.1734T>G, p.Ser578Arg (NM_001406797.1, NM_001406801.1, NM_001406818.1 and 10 more transcripts); c.1506T>G, p.Ser502Arg (NM_001406799.1, NM_001406806.1, NM_001406807.1); c.1863T>G, p.Ser621Arg (NM_001406826.1); c.1606+425T>G (NM_001406817.1); and 3 more; short protein forms S677R, S679R, S502R, S578R, S547R, S621R, S375R, S651R.
Identifiers: ClinVar variation 3296420 (VCV003296420.1).

ClinVar aggregate classification (germline): Uncertain significance (1 of 4 stars; one submission).

Conditions:
Hereditary cancer-predisposing syndrome. Also called: Tumor predisposition; Hereditary Cancer Syndrome; Hereditary neoplastic syndrome; Neoplastic Syndromes, Hereditary. Identifiers: Orphanet 140162, MedGen C0027672, MeSH D009386, MONDO:0015356.

Submission:

Ambry Genetics
Classification: Uncertain significance for Hereditary cancer-predisposing syndrome. Last evaluated: 2024-06-05. Review status: criteria provided, single submitter. Criteria: Ambry Variant Classification Scheme 2023. Collection method: clinical testing. Allele origin: germline.
Comment: The p.S677R variant (also known as c.2031T>G), located in coding exon 4 of the MSH6 gene, results from a T to G substitution at nucleotide position 2031. The serine at codon 677 is replaced by arginine, an amino acid with dissimilar properties. This amino acid position is conserved. In addition, the in silico prediction for this alteration is inconclusive. Based on the available evidence, the clinical significance of this variant remains unclear.